The following is an entry in ClinVar:

ClinVar aggregate classification (germline): Pathogenic/Likely pathogenic. Review status: no assertion criteria provided (0 of 4 stars). 2 submissions from 2 submitters: Pathogenic (1); Likely pathogenic (1). Last evaluated 2019-07-12.

Conditions:
Congenital hypotonia, epilepsy, developmental delay, and digital anomalies (CHEDDA). Also called: ATN1-Related Neurodevelopmental Disorder. Identifiers: MedGen C5193125, MONDO:0032781, OMIM 618494.
Congenital ATN1 related disorder.

Submissions (2):

OMIM
Classification: Pathogenic for CONGENITAL HYPOTONIA, EPILEPSY, DEVELOPMENTAL DELAY, AND DIGITAL ANOMALIES. Last evaluated: 2019-07-12. Review status: no assertion criteria provided. Collection method: literature only. Allele origin: germline.

Sydney Children's Hospital, SCHN
Classification: Likely pathogenic for Congenital ATN1 related disorder. Last evaluated: 2018-11-27. Review status: no assertion criteria provided. Collection method: clinical testing. Allele origin: de novo. Inheritance: Autosomal dominant inheritance. Affected: yes. Observed: 1 heterozygote.
Comment: De novo variant in highly constrained HX domain with characteristic phenotypic features of CARD.

Literature cited by the submitters: PubMed 30827498 (cited by OMIM); PubMed 17067864 (cited by OMIM).

NM_001940.4(ATN1):c.3185A>G (p.His1062Arg)

Gene: ATN1 (atrophin 1; plus strand). Cytogenetic location: 12p13.31.
Variant type: single nucleotide variant.
Coding change: c.3185A>G on transcript NM_001940.4 (MANE Select); coding-DNA position 3185, A replaced by G.
Protein change: p.His1062Arg; replaces histidine 1062 with arginine.
Molecular consequence: missense variant.
Genome position (GRCh38, 1-based): chr12:6,939,148, A>G. VCF-style: chr12-6939148-A-G. GRCh37 (hg19) VCF-style: chr12-7048311-A-G.
Other names: c.3185A>G, p.His1062Arg (NM_001007026.2); short protein forms H1062R.
Identifiers: ClinVar variation 590921 (VCV000590921.2), dbSNP rs1565569158, ClinGen allele CA383741332.